The following is an entry in ClinVar:

NM_145064.3(STAC3):c.289T>G (p.Phe97Val)

Gene: STAC3 (SH3 and cysteine rich domain 3; minus strand). Cytogenetic location: 12q13.3.
Variant type: single nucleotide variant.
Coding change: c.289T>G on transcript NM_145064.3 (MANE Select); coding-DNA position 289, T replaced by G.
Protein change: p.Phe97Val; replaces phenylalanine 97 with valine.
Molecular consequence: missense variant. On other transcripts: intron variant (1).
Genome position (GRCh38, 1-based): chr12:57,249,086, A>C on the plus strand (T>G on the coding strand, the complement: STAC3 is on the minus strand). VCF-style: chr12-57249086-A-C. GRCh37 (hg19) VCF-style: chr12-57642869-A-C.
Other names: c.172T>G, p.Phe58Val (NM_001286256.2); c.-126-888T>G (NM_001286257.2); short protein forms F58V, F97V.
Identifiers: ClinVar variation 4691038 (VCV004691038.1).

ClinVar aggregate classification (germline): Uncertain significance (1 of 4 stars; one submission).

Conditions:
Bailey-Bloch congenital myopathy (CMYO13). Also called: Native American myopathy; Congenital myopathy 13; STAC3 disorder. Identifiers: Orphanet 168572, MedGen C1850625, MONDO:0009722, OMIM 255995.

Submission:

Labcorp Genetics (formerly Invitae), Labcorp
Classification: Uncertain significance for Bailey-Bloch congenital myopathy. Last evaluated: 2026-01-15. Review status: criteria provided, single submitter. Criteria: Invitae Variant Classification Sherloc (09022015). Collection method: clinical testing. Allele origin: germline.
Comment: This sequence change replaces phenylalanine, which is neutral and non-polar, with valine, which is neutral and non-polar, at codon 97 of the STAC3 protein (p.Phe97Val). This variant is not present in population databases (gnomAD no frequency). This variant has not been reported in the literature in individuals affected with STAC3-related conditions. Invitae Evidence Modeling of protein sequence and biophysical properties (such as structural, functional, and spatial information, amino acid conservation, physicochemical variation, residue mobility, and thermodynamic stability) indicates that this missense variant is not expected to disrupt STAC3 protein function with a negative predictive value of 80%. In summary, the available evidence is currently insufficient to determine the role of this variant in disease. Therefore, it has been classified as a Variant of Uncertain Significance.